The following is an entry in ClinVar:

NM_000157.4(GBA1):c.1053G>C (p.Trp351Cys)

Genes: GBA1 (glucosylceramidase beta 1; minus strand), LOC106627981 (GBA recombination region; plus strand). Cytogenetic location: 1q22.
Variant type: single nucleotide variant.
Coding change: c.1053G>C on transcript NM_000157.4 (MANE Select); coding-DNA position 1053, G replaced by C.
Protein change: p.Trp351Cys; replaces tryptophan 351 with cysteine.
Molecular consequence: missense variant.
Genome position (GRCh38, 1-based): chr1:155,236,416, C>G on the plus strand (G>C on the coding strand, the complement: GBA1 is on the minus strand). VCF-style: chr1-155236416-C-G. GRCh37 (hg19) VCF-style: chr1-155206207-C-G.
Other names: c.1053G>C, p.Trp351Cys (NM_001005741.3, NM_001005742.3); c.792G>C, p.Trp264Cys (NM_001171811.2); c.906G>C, p.Trp302Cys (NM_001171812.2); short protein forms W264C, W302C, W351C.
Identifiers: ClinVar variation 4817663 (VCV004817663.1).

ClinVar aggregate classification (germline): Likely pathogenic (1 of 4 stars; one submission).

Conditions:
Gaucher disease. Also called: Acute cerebral Gaucher disease; Cerebroside lipidosis syndrome; Gaucher splenomegaly; Sphingolipidosis 1; Glucocerebrosidosis; Glucosylceramidase deficiency. Identifiers: Orphanet 355, MedGen C0017205, MONDO:0018150.

Submission:

Natera, Inc.
Classification: Likely pathogenic for Gaucher disease. Last evaluated: 2025-11-22. Review status: criteria provided, single submitter. Criteria: Natera Variant Classification Schema (03/2026). Collection method: clinical testing. Allele origin: germline.
Comment: The c.1053G>C variant in GBA1 is a missense variant predicted to cause substitution of tryptophan to cysteine at amino acid 351. This variant is rare in the general population with a frequency below the threshold expected for the associated phenotype(s). Another variant at this same site results in an alteration predicted to cause a similar molecular effect has been observed in individual(s) with the associated phenotype. A different variant at the same position has been determined to be Pathogenic or Likely Pathogenic. Computational prediction algorithms indicate this variant is likely to affect gene or protein function. Given the available evidence, this variant is classified as Likely Pathogenic.